The following is an entry in ClinVar:

ClinVar aggregate classification (germline): Uncertain significance (1 of 4 stars; one submission).

gnomAD v4.1: 2 of 1,614,096 alleles (0.00012%); highest among the groups gnomAD compares: Non-Finnish European, 0.00017%; no homozygotes.

Submission:

Labcorp Genetics (formerly Invitae), Labcorp
Classification: Uncertain significance. Last evaluated: 2025-12-17. Review status: criteria provided, single submitter. Criteria: Invitae Variant Classification Sherloc (09022015). Collection method: clinical testing. Allele origin: germline.
Comment: This sequence change replaces threonine, which is neutral and polar, with isoleucine, which is neutral and non-polar, at codon 465 of the LEMD3 protein (p.Thr465Ile). This variant is not present in population databases (gnomAD no frequency). This variant has not been reported in the literature in individuals affected with LEMD3-related conditions. Invitae Evidence Modeling of protein sequence and biophysical properties (such as structural, functional, and spatial information, amino acid conservation, physicochemical variation, residue mobility, and thermodynamic stability) has been performed for this missense variant. However, the output from this modeling did not meet the statistical confidence thresholds required to predict the impact of this variant on LEMD3 protein function. In summary, the available evidence is currently insufficient to determine the role of this variant in disease. Therefore, it has been classified as a Variant of Uncertain Significance.

NM_014319.5(LEMD3):c.1394C>T (p.Thr465Ile)

Gene: LEMD3 (LEM domain containing 3; plus strand). Cytogenetic location: 12q14.3.
Variant type: single nucleotide variant.
Coding change: c.1394C>T on transcript NM_014319.5 (MANE Select); coding-DNA position 1394, C replaced by T.
Protein change: p.Thr465Ile; replaces threonine 465 with isoleucine.
Molecular consequence: missense variant.
Genome position (GRCh38, 1-based): chr12:65,170,990, C>T. VCF-style: chr12-65170990-C-T. GRCh37 (hg19) VCF-style: chr12-65564770-C-T.
Other names: c.1394C>T, p.Thr465Ile (NM_001167614.2); short protein forms T465I.
Identifiers: ClinVar variation 4694358 (VCV004694358.1).